The following is an entry in ClinVar:

ClinVar aggregate classification (germline): Uncertain significance. Review status: reviewed by expert panel (3 of 4 stars). 3 submissions from 3 submitters: Uncertain significance (1). 2 of the submissions do not count toward it. Last evaluated 2022-05-13.

Conditions:
Monogenic diabetes. Identifiers: Orphanet 183625, MedGen C3888631, MONDO:0015967.
Maturity-onset diabetes of the young (MODY). Also called: Maturity onset diabetes mellitus in young. Identifiers: Orphanet 552, MedGen C0342276, MONDO:0018911, HP:0004904.
Maturity-onset diabetes of the young type 3. Also called: MODY, type III; MODY type 3. Identifiers: Orphanet 552, MedGen C1838100, MeSH C563933, MONDO:0010894, OMIM 600496. Disease mechanism: loss of function.

Allele frequency attached by ClinVar (database versions not stated): gnomAD 0.00005 and 0.00006; TOPMed 0.00008; gnomAD exomes 0.00015.
gnomAD v4.1: 52 of 441,066 alleles (0.012%); highest among the groups gnomAD compares: Middle Eastern, 0.45%; 1 homozygote.

Submissions (3):

ClinGen Monogenic Diabetes Variant Curation Expert Panel
Classification: Uncertain significance for Monogenic diabetes. Last evaluated: 2022-05-13. Review status: reviewed by expert panel. Criteria: ClinGen Diabetes ACMG Specifications HNF1A V2.1.0. Collection method: curation. Allele origin: germline. Inheritance: Autosomal dominant inheritance.
Comment: The c.*391G>C variant in the HNF1 homeobox A gene, HNF1A, is a single nucleotide variant within the 3' untranslated region of NM_000545.8. This variant has a minor allele frequency greater than the ClinGen MDEP PM2_Supporting threshold of 0.00002 in the gnomAD European non-Finnish population (actual value=0.0001298) and a gnomAD Popmax filtering allele frequency less than the ClinGen MDEP BS1 threshold of 0.00003 (actual value = 0.00002243). In summary, c.*1071G>T meets the criteria to be classified as a variant of uncertain significance for monogenic diabetes. ACMG/AMP criteria applied, as specified by the ClinGen MDEP (specification version 1.1, approved 9/30/21): None.

Illumina Laboratory Services, Illumina
Classification: Uncertain significance for Maturity-onset diabetes of the young type 3. Last evaluated: 2018-01-12. Review status: criteria provided, single submitter. Criteria: ICSL Variant Classification Criteria 13 December 2019. Collection method: clinical testing. Allele origin: germline. Not counted in ClinVar's aggregate classification.

Clinical Genomics, Uppaluri K&H Personalized Medicine Clinic
Classification: Likely benign for Maturity-onset diabetes of the young. Review status: criteria provided, single submitter. Criteria: K & H Uppaluri Personalized Medicine Clinic Variant Classification & Assertion Criteria_Updated V.1. Collection method: research. Allele origin: unknown. Inheritance: Autosomal dominant inheritance. Not counted in ClinVar's aggregate classification.
Comment: Mutations in HNF1A gene can predispose to MODY3. It is associated with both micro and macrovascular complications of diabetes, especially cardiovascular complications. Associated with glucosuria. May respond well to sulfonylureas. However, more evidence is required to confer the association of this particular variant rs868177605 with MODY3.

Literature cited by the submitters: PubMed 31517624 (cited by Clinical Genomics, Uppaluri K&H Personalized Medicine Clinic); PubMed 32395877 (cited by Clinical Genomics, Uppaluri K&H Personalized Medicine Clinic); PubMed 35328643 (cited by Clinical Genomics, Uppaluri K&H Personalized Medicine Clinic); PubMed 35673428 (cited by Clinical Genomics, Uppaluri K&H Personalized Medicine Clinic).

NM_000545.8(HNF1A):c.*391G>C

Genes: C12orf43 (chromosome 12 open reading frame 43; minus strand), HNF1A (HNF1 homeobox A; plus strand). Cytogenetic location: 12q24.31.
Variant type: single nucleotide variant.
Coding change: c.*391G>C on transcript NM_000545.8 (MANE Select); 391 bases downstream of the stop codon, G replaced by C.
Molecular consequence: 3 prime UTR variant.
Genome position (GRCh38, 1-based): chr12:121,001,583, G>C. VCF-style: chr12-121001583-G-C. GRCh37 (hg19) VCF-style: chr12-121439386-G-C.
Other names: c.*2570C>G (NM_001286191.2, NM_001286196.2, NM_022895.3); c.*391G>C (NM_001306179.2, NM_001406915.1).
Identifiers: ClinVar variation 307467 (VCV000307467.7), dbSNP rs868177605, ClinGen allele CA10632147.